The following is an entry in ClinVar:

ClinVar aggregate classification (germline): Likely benign (1 of 4 stars; one submission).

gnomAD v4.1: 2 of 1,614,208 alleles (0.00012%); highest among the groups gnomAD compares: Non-Finnish European, 0.00017%; no homozygotes.

Submission:

CeGaT Center for Human Genetics Tuebingen
Classification: Likely benign. Last evaluated: 2025-08-01. Review status: criteria provided, single submitter. Criteria: CeGaT Center For Human Genetics Tuebingen Variant Classification Criteria Version 2. Collection method: clinical testing. Allele origin: germline. Affected: yes. Observed: 1 variant allele.
Comment: GSN: BP4, BP7

NM_198252.3(GSN):c.396G>A (p.Glu132=)

Gene: GSN (gelsolin; plus strand). Cytogenetic location: 9q33.2.
Variant type: single nucleotide variant.
Coding change: c.396G>A on transcript NM_198252.3 (MANE Select); coding-DNA position 396, G replaced by A.
Protein change: p.Glu132=; no amino-acid change (glutamic acid 132 retained).
Molecular consequence: synonymous variant. On other transcripts: 5 prime UTR variant (1).
Genome position (GRCh38, 1-based): chr9:121,310,728, G>A. VCF-style: chr9-121310728-G-A. GRCh37 (hg19) VCF-style: chr9-124073006-G-A.
Other names: c.549G>A, p.Glu183= (NM_000177.5); c.396G>A, p.Glu132= (NM_001127662.2, NM_001127664.2, NM_001127665.2 and 10 more transcripts); c.504G>A, p.Glu168= (NM_001127663.2); c.429G>A, p.Glu143= (NM_001127666.2, NM_001127667.2, NM_001353063.2 and 13 more transcripts); c.447G>A, p.Glu149= (NM_001258029.2); c.420G>A, p.Glu140= (NM_001258030.2); c.468G>A, p.Glu156= (NM_001353076.2); c.-259G>A (NM_001353078.2).
Identifiers: ClinVar variation 4084623 (VCV004084623.8).